The following is an entry in ClinVar:

NM_001267550.2(TTN):c.101094_101097del (p.Ser33699fs)

Genes: TTN-AS1 (TTN antisense RNA 1; plus strand), TTN (titin; minus strand). Cytogenetic location: 2q31.2.
Variant type: Deletion.
Coding change: c.101094_101097del on transcript NM_001267550.2 (MANE Select); coding-DNA positions 101094 to 101097, 4 bases deleted (TAGT; older notation c.101094_101097delTAGT).
Protein change: p.Ser33699fs; shifts the reading frame from serine 33699.
Molecular consequence: frameshift variant.
Genome position (GRCh38, 1-based): chr2:178,535,518-178,535,521, ACTA deleted on the plus strand (TAGT on the coding strand, the reverse complement: TTN is on the minus strand); deleting any 4 consecutive bases within chr2:178,535,518-178,535,524 gives the same sequence; the c. name uses the placement nearest the transcript's 3' end. VCF-style (leftmost placement, unchanged base first): chr2-178535517-CACTA-C. GRCh37 (hg19) VCF-style: chr2-179400244-CACTA-C.
Other names: c.96171_96174del, p.Ser32058fs (NM_001256850.1); c.73899_73902del, p.Ser24634fs (NM_003319.4); c.93390_93393del, p.Ser31131fs (NM_133378.4); c.74274_74277del, p.Ser24759fs (NM_133432.3); c.74475_74478del, p.Ser24826fs (NM_133437.4); short protein forms S24634fs, S24759fs, S31131fs, S24826fs, S32058fs, S33699fs.
Identifiers: ClinVar variation 965241 (VCV000965241.10), dbSNP rs1691030502, ClinGen allele CA1139657419.
Genomic context (GRCh38, chr2:178,535,517, plus strand): 5'-TGCTGCCACCATCAGAGGCTGGCTCAGTCCATGTTAAGTTGACAGAATCTCGTGAGACAT[CACTA>C]ACTTTGACTCCTCTGGGTGGGTCAGGAACATCAGCCACATCCAGTTCAACTGTCTTCTGA-3'

ClinVar aggregate classification (germline): Likely pathogenic (1 of 4 stars; one submission).

Conditions:
Dilated cardiomyopathy 1G (CMD1G). Identifiers: Orphanet 154, MedGen C1858763, MONDO:0011400, OMIM 604145.
Autosomal recessive limb-girdle muscular dystrophy type 2J (LGMDR10). Also called: Limb-girdle muscular dystrophy, type 2J; MUSCULAR DYSTROPHY, LIMB-GIRDLE, AUTOSOMAL RECESSIVE 10. Identifiers: Orphanet 140922, MedGen C1837342, MONDO:0012127, OMIM 608807.

Submission:

Labcorp Genetics (formerly Invitae), Labcorp
Classification: Likely pathogenic for Dilated cardiomyopathy 1G; Autosomal recessive limb-girdle muscular dystrophy type 2J. Last evaluated: 2023-12-06. Review status: criteria provided, single submitter. Criteria: Invitae Variant Classification Sherloc (09022015). Collection method: clinical testing. Allele origin: germline.
Comment: This sequence change creates a premature translational stop signal (p.Ser33699Metfs*9) in the TTN gene. While this is not anticipated to result in nonsense mediated decay, it is expected to create a truncated TTN protein. This variant is not present in population databases (gnomAD no frequency). This premature translational stop signal has been observed in individual(s) with dilated cardiomyopathy (PMID: 31317183). This variant is also known as c.7389_73902delTAGT (p.Ser24634Metfs*9). ClinVar contains an entry for this variant (Variation ID: 965241). This variant is located in the M band of TTN (PMID: 25589632). Truncating variants in this region have been previously reported in individuals affected with autosomal recessive myopathy and muscular dystrophy (PMID: 18948003, 23975875, 24395473). Truncating variants in this region have also been identified in individuals affected with autosomal dominant dilated cardiomyopathy and/or cardio-related conditions (PMID: 27869827, 32964742). In summary, the currently available evidence indicates that the variant is pathogenic, but additional data are needed to prove that conclusively. Therefore, this variant has been classified as Likely Pathogenic.

Literature cited by the submitters: PubMed 31317183; PubMed 25589632; PubMed 18948003; PubMed 23975875; PubMed 24395473; PubMed 27869827; PubMed 32964742.